The following is an entry in ClinVar:

ClinVar aggregate classification (germline): Pathogenic. Review status: criteria provided, multiple submitters, no conflicts (2 of 4 stars). 2 submissions from 2 submitters: Pathogenic (2). Last evaluated 2024-06-20.

Conditions:
Cardiovascular phenotype. Identifiers: MedGen CN230736.

Allele frequency attached by ClinVar (database versions not stated): gnomAD exomes below 0.00001.
gnomAD v4.1: 1 of 1,613,778 alleles (0.000062%); highest among the groups gnomAD compares: South Asian, 0.0011%; no homozygotes.

Submissions (2):

Ambry Genetics
Classification: Pathogenic for Cardiovascular phenotype. Last evaluated: 2024-06-20. Review status: criteria provided, single submitter. Criteria: Ambry Variant Classification Scheme 2023. Collection method: clinical testing. Allele origin: germline.
Comment: The p.W486* pathogenic mutation (also known as c.1458G>A), located in coding exon 17 of the MYBPC3 gene, results from a G to A substitution at nucleotide position 1458. This changes the amino acid from a tryptophan to a stop codon within coding exon 17. This alteration has been reported in individuals with hypertrophic cardiomyopathy (HCM) (Agarwal A et al. Glob Heart, 2015 Sep;10:209-19; Walsh R et al. Genet Med, 2017 Feb;19:192-203; Guo L et al. JAMA Cardiol, 2021 Sep;6:1013-1022). This variant is considered to be rare based on population cohorts in the Genome Aggregation Database (gnomAD). In addition to the clinical data presented in the literature, this alteration is expected to result in loss of function by premature protein truncation or nonsense-mediated mRNA decay. As such, this alteration is interpreted as a disease-causing mutation.

GeneDx
Classification: Pathogenic. Last evaluated: 2020-09-21. Review status: criteria provided, single submitter. Criteria: GeneDx Variant Classification Process June 2021. Collection method: clinical testing. Allele origin: germline. Affected: yes.
Comment: Nonsense variant predicted to result in protein truncation or nonsense mediated decay in a gene for which loss-of-function is a known mechanism of disease; Not observed in large population cohorts (Lek et al., 2016); This variant is associated with the following publications: (PMID: 27532257)

Literature cited by the submitters: PubMed 26271555 (cited by Ambry Genetics); PubMed 27532257 (cited by Ambry Genetics); PubMed 34076677 (cited by Ambry Genetics).

NM_000256.3(MYBPC3):c.1458G>A (p.Trp486Ter)

Gene: MYBPC3 (myosin binding protein C3; minus strand). Cytogenetic location: 11p11.2.
Variant type: single nucleotide variant.
Coding change: c.1458G>A on transcript NM_000256.3 (MANE Select); coding-DNA position 1458, G replaced by A.
Protein change: p.Trp486Ter; replaces tryptophan 486 with a stop codon.
Molecular consequence: nonsense.
Genome position (GRCh38, 1-based): chr11:47,342,744, C>T on the plus strand (G>A on the coding strand, the complement: MYBPC3 is on the minus strand). VCF-style: chr11-47342744-C-T. GRCh37 (hg19) VCF-style: chr11-47364295-C-T.
Other names: c.1458G>A, p.Trp486Ter (LRG_386t1); short protein forms W486*.
Identifiers: ClinVar variation 372678 (VCV000372678.6), dbSNP rs1057517920, ClinGen allele CA16042747.
Genomic context (GRCh38, chr11:47,342,744, plus strand): 5'-GTCCTTCTTGAACCGGTATTTGAAGGTCTCCTCCCGGGTCAGCTCCACCCCGTCCTTCAG[C>T]CTAGCCGGGTGGGTGGGTGGCAAGTGCTGTGGCCTCTTCTGGGCAGATGCCCCCAACACC-3'